The following is an entry in ClinVar:

NM_017617.5(NOTCH1):c.7175T>C (p.Met2392Thr)

Gene: NOTCH1 (notch receptor 1; minus strand). Cytogenetic location: 9q34.3.
Variant type: single nucleotide variant.
Coding change: c.7175T>C on transcript NM_017617.5 (MANE Select); coding-DNA position 7175, T replaced by C.
Protein change: p.Met2392Thr; replaces methionine 2392 with threonine.
Molecular consequence: missense variant.
Genome position (GRCh38, 1-based): chr9:136,496,564, A>G on the plus strand (T>C on the coding strand, the complement: NOTCH1 is on the minus strand). VCF-style: chr9-136496564-A-G. GRCh37 (hg19) VCF-style: chr9-139391016-A-G.
Other names: c.7175T>C, p.Met2392Thr (LRG_1122t1); short protein forms M2392T.
Identifiers: ClinVar variation 451190 (VCV000451190.5), dbSNP rs1036612594, ClinGen allele CA201632907.
Genomic context (GRCh38, chr9:136,496,564, plus strand): 5'-GGTGGCGGCTGCAGGCTTTGCTGCTGCTGGATGTTTGCTGGCTGCAGGTTCTGCTGCTGC[A>G]TCTGTAAGTTTTGTGGCTGCACCTGCTGGGTCTGCACCAGGTGAGGCTGGGTGGCCAGCC-3'
Protein context (NP_060087.3, residues 2382-2402): TQQVQPQNLQ[Met2392Thr]QQQNLQPANI

ClinVar aggregate classification (germline): Uncertain significance. Review status: criteria provided, multiple submitters, no conflicts (2 of 4 stars). 2 submissions from 2 submitters: Uncertain significance (2). Last evaluated 2022-04-18.

Conditions:
Adams-Oliver syndrome 5 (AOS5). Identifiers: Orphanet 974, MedGen C4014970, MONDO:0014459, OMIM 616028.

Allele frequency attached by ClinVar (database versions not stated): TOPMed below 0.00001.

Submissions (2):

Labcorp Genetics (formerly Invitae), Labcorp
Classification: Uncertain significance for Adams-Oliver syndrome 5. Last evaluated: 2022-04-18. Review status: criteria provided, single submitter. Criteria: Invitae Variant Classification Sherloc (09022015). Collection method: clinical testing. Allele origin: germline.
Comment: This variant has not been reported in the literature in individuals affected with NOTCH1-related conditions. In summary, the available evidence is currently insufficient to determine the role of this variant in disease. Therefore, it has been classified as a Variant of Uncertain Significance. Advanced modeling of protein sequence and biophysical properties (such as structural, functional, and spatial information, amino acid conservation, physicochemical variation, residue mobility, and thermodynamic stability) performed at Invitae indicates that this missense variant is not expected to disrupt NOTCH1 protein function. ClinVar contains an entry for this variant (Variation ID: 451190). This variant is not present in population databases (gnomAD no frequency). This sequence change replaces methionine, which is neutral and non-polar, with threonine, which is neutral and polar, at codon 2392 of the NOTCH1 protein (p.Met2392Thr).

GeneDx
Classification: Uncertain significance. Last evaluated: 2017-08-09. Review status: criteria provided, single submitter. Criteria: GeneDx Variant Classification (06012015). Collection method: clinical testing. Allele origin: germline. Affected: yes.
Comment: The M2392T variant in the NOTCH1 gene has not been reported previously as a pathogenic variant, nor as a benign variant, to our knowledge. The M2392T variant is not observed in large population cohorts (Lek et al., 2016; 1000 Genomes Consortium et al., 2015; Exome Variant Server). The M2392T variant is a non-conservative amino acid substitution, which is likely to impact secondary protein structure as these residues differ in polarity, charge, size and/or other properties. This substitution occurs at a position that is not conserved across species. In silico analysis predicts this variant likely does not alter the protein structure/function. We interpret M2392T as a variant of uncertain significance.